The following is an entry in ClinVar:

ClinVar aggregate classification (germline): Uncertain significance. Review status: criteria provided, multiple submitters, no conflicts (2 of 4 stars). 2 submissions from 2 submitters: Uncertain significance (2). Last evaluated 2023-06-10.

Conditions:
Hereditary cancer-predisposing syndrome. Also called: Neoplastic Syndromes, Hereditary; Hereditary Cancer Syndrome; Hereditary neoplastic syndrome; Tumor predisposition. Identifiers: Orphanet 140162, MedGen C0027672, MeSH D009386, MONDO:0015356.

Submissions (2):

Ambry Genetics
Classification: Uncertain significance for Hereditary cancer-predisposing syndrome. Last evaluated: 2023-06-10. Review status: criteria provided, single submitter. Criteria: Ambry Variant Classification Scheme 2023. Collection method: clinical testing. Allele origin: germline.
Comment: The p.A129G variant (also known as c.386C>G), located in coding exon 5 of the POLE gene, results from a C to G substitution at nucleotide position 386. The alanine at codon 129 is replaced by glycine, an amino acid with similar properties. This amino acid position is conserved. In addition, this alteration is predicted to be tolerated by in silico analysis. Since supporting evidence is limited at this time, the clinical significance of this alteration remains unclear.

Labcorp Genetics (formerly Invitae), Labcorp
Classification: Uncertain significance. Last evaluated: 2022-11-03. Review status: criteria provided, single submitter. Criteria: Invitae Variant Classification Sherloc (09022015). Collection method: clinical testing. Allele origin: germline.
Comment: This variant has not been reported in the literature in individuals affected with POLE-related conditions. This variant is not present in population databases (gnomAD no frequency). This sequence change replaces alanine, which is neutral and non-polar, with glycine, which is neutral and non-polar, at codon 129 of the POLE protein (p.Ala129Gly). Advanced modeling of protein sequence and biophysical properties (such as structural, functional, and spatial information, amino acid conservation, physicochemical variation, residue mobility, and thermodynamic stability) performed at Invitae indicates that this missense variant is not expected to disrupt POLE protein function. In summary, the available evidence is currently insufficient to determine the role of this variant in disease. Therefore, it has been classified as a Variant of Uncertain Significance.

NM_006231.4(POLE):c.386C>G (p.Ala129Gly)

Gene: POLE (DNA polymerase epsilon, catalytic subunit; minus strand). Cytogenetic location: 12q24.33.
Variant type: single nucleotide variant.
Coding change: c.386C>G on transcript NM_006231.4 (MANE Select); coding-DNA position 386, C replaced by G.
Protein change: p.Ala129Gly; replaces alanine 129 with glycine.
Molecular consequence: missense variant.
Genome position (GRCh38, 1-based): chr12:132,679,991, G>C on the plus strand (C>G on the coding strand, the complement: POLE is on the minus strand). VCF-style: chr12-132679991-G-C. GRCh37 (hg19) VCF-style: chr12-133256577-G-C.
Other names: short protein forms A129G.
Identifiers: ClinVar variation 2561534 (VCV002561534.5), dbSNP rs2542190478, ClinGen allele CA387368074.
Genomic context (GRCh38, chr12:132,679,991, plus strand): 5'-TGGAAAGTCTGGGTGATACTCACCAAGTCCAGATCCTCTTTGGGGACAGTCTCCACTTTT[G>C]CAATTTTGCCCTGAAACTTCTTGGAGAGAAAAGATGAAACTTCTCGCTCACAACCCTAAT-3'
Protein context (NP_006222.2, residues 119-139): FLSKKFQGKI[Ala129Gly]KVETVPKEDL